The following is an entry in ClinVar:

ClinVar aggregate classification (germline): Likely benign. Review status: criteria provided, multiple submitters, no conflicts (2 of 4 stars). 2 submissions from 2 submitters: Likely benign (2). Last evaluated 2023-03-03.

Allele frequency attached by ClinVar (database versions not stated): TOPMed below 0.00001.
gnomAD v4.1: 5 of 1,613,716 alleles (0.00031%); highest among the groups gnomAD compares: Non-Finnish European, 0.00042%; no homozygotes.

Submissions (2):

Labcorp Genetics (formerly Invitae), Labcorp
Classification: Likely benign. Last evaluated: 2023-03-03. Review status: criteria provided, single submitter. Criteria: Invitae Variant Classification Sherloc (09022015). Collection method: clinical testing. Allele origin: germline.

GeneDx
Classification: Likely benign. Last evaluated: 2018-03-13. Review status: criteria provided, single submitter. Criteria: GeneDx Variant Classification (06012015). Collection method: clinical testing. Allele origin: germline. Affected: yes.
Comment: This variant is considered likely benign or benign based on one or more of the following criteria: it is a conservative change, it occurs at a poorly conserved position in the protein, it is predicted to be benign by multiple in silico algorithms, and/or has population frequency not consistent with disease.

NM_016239.4(MYO15A):c.4206+9C>A

Gene: MYO15A (myosin XVA; plus strand). Cytogenetic location: 17p11.2.
Variant type: single nucleotide variant.
Coding change: c.4206+9C>A on transcript NM_016239.4 (MANE Select); 9 bases into the intron after coding-DNA position 4206, C replaced by A.
Molecular consequence: intron variant.
Genome position (GRCh38, 1-based): chr17:18,131,540, C>A. VCF-style: chr17-18131540-C-A. GRCh37 (hg19) VCF-style: chr17-18034854-C-A.
Identifiers: ClinVar variation 680318 (VCV000680318.4), dbSNP rs745477950, ClinGen allele CA726662713.